The following is an entry in ClinVar:

NM_000138.5(FBN1):c.3808A>T (p.Met1270Leu)

Gene: FBN1 (fibrillin 1; minus strand). Cytogenetic location: 15q21.1.
Variant type: single nucleotide variant.
Coding change: c.3808A>T on transcript NM_000138.5 (MANE Select); coding-DNA position 3808, A replaced by T.
Protein change: p.Met1270Leu; replaces methionine 1270 with leucine.
Molecular consequence: missense variant.
Genome position (GRCh38, 1-based): chr15:48,483,848, T>A on the plus strand (A>T on the coding strand, the complement: FBN1 is on the minus strand). VCF-style: chr15-48483848-T-A. GRCh37 (hg19) VCF-style: chr15-48776045-T-A.
Other names: c.3808A>T, p.Met1270Leu (NM_001406716.1); short protein forms M1270L.
Identifiers: ClinVar variation 1933647 (VCV001933647.7), dbSNP rs1173856099, ClinGen allele CA392323705.

ClinVar aggregate classification (germline): Uncertain significance. Review status: criteria provided, multiple submitters, no conflicts (2 of 4 stars). 2 submissions from 2 submitters: Uncertain significance (2). Last evaluated 2023-05-03.

Conditions:
Familial thoracic aortic aneurysm and aortic dissection (TAAD). Also called: Thoracic aortic aneurysms and dissections. Identifiers: Orphanet 91387, MedGen C4707243, MONDO:0019625.
Marfan syndrome (MFS). Also called: MARFAN SYNDROME, TYPE I; Marfan syndrome type 1; Marfan's syndrome; Marfan syndrome, classic; FBN1-Related Marfan Syndrome. Identifiers: Orphanet 284963, Orphanet 558, MedGen C0024796, MONDO:0007947, OMIM 154700.

Submissions (2):

Ambry Genetics
Classification: Uncertain significance for Familial thoracic aortic aneurysm and aortic dissection. Last evaluated: 2023-05-03. Review status: criteria provided, single submitter. Criteria: Ambry Variant Classification Scheme 2023. Collection method: clinical testing. Allele origin: germline.
Comment: The p.M1270L variant (also known as c.3808A>T), located in coding exon 30 of the FBN1 gene, results from an A to T substitution at nucleotide position 3808. The methionine at codon 1270 is replaced by leucine, an amino acid with highly similar properties. This amino acid position is well conserved in available vertebrate species. In addition, the in silico prediction for this alteration is inconclusive. Since supporting evidence is limited at this time, the clinical significance of this alteration remains unclear.

Labcorp Genetics (formerly Invitae), Labcorp
Classification: Uncertain significance for Marfan syndrome; Familial thoracic aortic aneurysm and aortic dissection. Last evaluated: 2022-08-07. Review status: criteria provided, single submitter. Criteria: Invitae Variant Classification Sherloc (09022015). Collection method: clinical testing. Allele origin: germline.
Comment: In summary, the available evidence is currently insufficient to determine the role of this variant in disease. Therefore, it has been classified as a Variant of Uncertain Significance. Algorithms developed to predict the effect of missense changes on protein structure and function are either unavailable or do not agree on the potential impact of this missense change (SIFT: "Deleterious"; PolyPhen-2: "Benign"; Align-GVGD: "Class C0"). This variant has not been reported in the literature in individuals affected with FBN1-related conditions. This variant is not present in population databases (gnomAD no frequency). This sequence change replaces methionine, which is neutral and non-polar, with leucine, which is neutral and non-polar, at codon 1270 of the FBN1 protein (p.Met1270Leu).